The following is an entry in ClinVar:

ClinVar aggregate classification (germline): Pathogenic. Review status: criteria provided, multiple submitters, no conflicts (2 of 4 stars). 2 submissions from 2 submitters: Pathogenic (2). Last evaluated 2026-02-01.

Conditions:
Cardiovascular phenotype. Identifiers: MedGen CN230736.
Arrhythmogenic cardiomyopathy with wooly hair and keratoderma. Also called: PALMOPLANTAR KERATODERMA WITH LEFT VENTRICULAR CARDIOMYOPATHY AND WOOLLY HAIR; Carvajal syndrome; Dilated cardiomyopathy with woolly hair and keratoderma; Arrhythmogenic cardiomyopathy with woolly hair and keratoderma. Identifiers: Orphanet 65282, MedGen C1854063, MONDO:0011581, OMIM 605676.
Arrhythmogenic right ventricular dysplasia 8 (ARVD8). Also called: Arrhythmogenic Right Ventricular Dysplasia/Cardiomyopathy 8; ARRHYTHMOGENIC RIGHT VENTRICULAR DYSPLASIA, FAMILIAL, 8; ARRHYTHMOGENIC RIGHT VENTRICULAR CARDIOMYOPATHY 8. Identifiers: MedGen C1843896, MONDO:0011831, OMIM 607450.

Submissions (2):

Labcorp Genetics (formerly Invitae), Labcorp
Classification: Pathogenic for Arrhythmogenic cardiomyopathy with wooly hair and keratoderma; Arrhythmogenic right ventricular dysplasia 8. Last evaluated: 2026-02-01. Review status: criteria provided, single submitter. Criteria: Invitae Variant Classification Sherloc (09022015). Collection method: clinical testing. Allele origin: germline.
Comment: This sequence change creates a premature translational stop signal (p.Leu975Alafs*30) in the DSP gene. It is expected to result in an absent or disrupted protein product. Loss-of-function variants in DSP are known to be pathogenic (PMID: 20716751, 24503780, 25227139, 30398466). This variant is not present in population databases (gnomAD no frequency). This variant has not been reported in the literature in individuals affected with DSP-related conditions. For these reasons, this variant has been classified as Pathogenic.

Ambry Genetics
Classification: Pathogenic for Cardiovascular phenotype. Last evaluated: 2025-09-11. Review status: criteria provided, single submitter. Criteria: Ambry Variant Classification Scheme 2023. Collection method: clinical testing. Allele origin: germline.
Comment: The c.2923_2924delCT pathogenic mutation, located in coding exon 21 of the DSP gene, results from a deletion of two nucleotides at nucleotide positions 2923 to 2924, causing a translational frameshift with a predicted alternate stop codon (p.L975Afs*30). This variant is considered to be rare based on population cohorts in the Genome Aggregation Database (gnomAD). This alteration is expected to result in loss of function by premature protein truncation or nonsense-mediated mRNA decay. As such, this alteration is interpreted as a disease-causing mutation.

Literature cited by the submitters: PubMed 20716751 (cited by Labcorp Genetics (formerly Invitae), Labcorp); PubMed 24503780 (cited by Labcorp Genetics (formerly Invitae), Labcorp); PubMed 25227139 (cited by Labcorp Genetics (formerly Invitae), Labcorp); PubMed 30398466 (cited by Labcorp Genetics (formerly Invitae), Labcorp).

NM_004415.4(DSP):c.2923_2924del (p.Leu975fs)

Gene: DSP (desmoplakin; plus strand). Cytogenetic location: 6p24.3.
Variant type: Microsatellite.
Coding change: c.2923_2924del on transcript NM_004415.4 (MANE Select); coding-DNA positions 2923 to 2924, 2 bases deleted (CT; older notation c.2923_2924delCT).
Protein change: p.Leu975fs; shifts the reading frame from leucine 975.
Molecular consequence: frameshift variant.
Genome position (GRCh38, 1-based): chr6:7,577,824-7,577,825, CT deleted; deleting any 2 consecutive bases within chr6:7,577,822-7,577,825 gives the same sequence; the c. name uses the placement nearest the transcript's 3' end. VCF-style (leftmost placement, unchanged base first): chr6-7577821-ACT-A. GRCh37 (hg19) VCF-style: chr6-7578054-ACT-A.
Other names: c.2923_2924delCT (NM_004415.2); c.2923_2924del, p.Leu975fs (NM_001008844.3, NM_001319034.2); c.2921_2922CT[1], p.Leu975Alafs (NM_004415.2); short protein forms L975fs.
Identifiers: ClinVar variation 2939884 (VCV002939884.4), dbSNP rs2533917216, ClinGen allele CA2740094246.